The following is an entry in ClinVar:

ClinVar aggregate classification (germline): Uncertain significance (1 of 4 stars; one submission).

Conditions:
Hypokalemic periodic paralysis, type 1. Also called: Hypokalemic Periodic Paralysis Type 1 (AD); HypoPP. Identifiers: Orphanet 681, MedGen C3714580, MONDO:0042979, OMIM 170400.
Malignant hyperthermia, susceptibility to, 5 (MHS5). Also called: CACNA1S-Related Malignant Hyperthermia Susceptibility. Identifiers: Orphanet 423, MedGen C1866077, MONDO:0011163, OMIM 601887.

Submission:

Labcorp Genetics (formerly Invitae), Labcorp
Classification: Uncertain significance for Hypokalemic periodic paralysis, type 1; Malignant hyperthermia, susceptibility to, 5. Last evaluated: 2021-12-13. Review status: criteria provided, single submitter. Criteria: Invitae Variant Classification Sherloc (09022015). Collection method: clinical testing. Allele origin: germline.
Comment: In summary, the available evidence is currently insufficient to determine the role of this variant in disease. Therefore, it has been classified as a Variant of Uncertain Significance. Variants that disrupt the consensus splice site are a relatively common cause of aberrant splicing (PMID: 17576681, 9536098). Algorithms developed to predict the effect of sequence changes on RNA splicing suggest that this variant may disrupt the consensus splice site. This variant has not been reported in the literature in individuals affected with CACNA1S-related conditions. This variant is not present in population databases (gnomAD no frequency). This sequence change falls in intron 31 of the CACNA1S gene. It does not directly change the encoded amino acid sequence of the CACNA1S protein. It affects a nucleotide within the consensus splice site.

Literature cited by the submitters: PubMed 17576681; PubMed 9536098.

NM_000069.3(CACNA1S):c.3861+5G>A

Gene: CACNA1S (calcium voltage-gated channel subunit alpha1 S; minus strand). Cytogenetic location: 1q32.1.
Variant type: single nucleotide variant.
Coding change: c.3861+5G>A on transcript NM_000069.3 (MANE Select); 5 bases into the intron after coding-DNA position 3861, G replaced by A.
Molecular consequence: intron variant.
Genome position (GRCh38, 1-based): chr1:201,053,204, C>T on the plus strand (G>A on the coding strand, the complement: CACNA1S is on the minus strand). VCF-style: chr1-201053204-C-T. GRCh37 (hg19) VCF-style: chr1-201022332-C-T.
Identifiers: ClinVar variation 2042116 (VCV002042116.4), dbSNP rs2464458538, ClinGen allele CA2580061874.